The following is an entry in ClinVar:

NM_001365902.3(NFIX):c.148A>T (p.Lys50Ter)

Gene: NFIX (nuclear factor I X; plus strand). Cytogenetic location: 19p13.13.
Variant type: single nucleotide variant.
Coding change: c.148A>T on transcript NM_001365902.3 (MANE Select); coding-DNA position 148, A replaced by T.
Protein change: p.Lys50Ter; replaces lysine 50 with a stop codon.
Molecular consequence: nonsense.
Genome position (GRCh38, 1-based): chr19:13,025,141, A>T. VCF-style: chr19-13025141-A-T. GRCh37 (hg19) VCF-style: chr19-13135955-A-T.
Other names: c.172A>T, p.Lys58Ter (NM_001271043.2); c.124A>T, p.Lys42Ter (NM_001271044.3, NM_001378404.1); c.148A>T, p.Lys50Ter (NM_001365982.2, NM_002501.4); c.7A>T, p.Lys3Ter (NM_001365983.2); c.145A>T, p.Lys49Ter (NM_001365984.2, NM_001365985.2); c.196A>T, p.Lys66Ter (NM_001378405.1); short protein forms K3*, K42*, K49*, K50*, K58*, K66*.
Identifiers: ClinVar variation 1098319 (VCV001098319.2), dbSNP rs2145191499, ClinGen allele CA404313400.

ClinVar aggregate classification (germline): Pathogenic (1 of 4 stars; one submission).

Submission:

Genetics Laboratory, UDIAT-Centre Diagnòstic, Hospital Universitari Parc Tauli
Classification: Pathogenic. Last evaluated: 2021-04-26. Review status: criteria provided, single submitter. Criteria: Parc Tauli Hospital Assertion Criteria 2021. Collection method: clinical testing. Allele origin: de novo. Inheritance: Autosomal dominant inheritance. Affected: yes. Observed: 1 heterozygote.
Comment: PVS1_very strong;PM2_supporting;PM6_moderate;PP3_supporting